The following is an entry in ClinVar:

NM_001365088.1(SLC12A6):c.667dup (p.Ile223fs)

Genes: SLC12A6 (solute carrier family 12 member 6; minus strand), LOC129390683 (MPRA-validated peak2292 silencer; plus strand). Cytogenetic location: 15q14.
Variant type: Duplication.
Coding change: c.667dup on transcript NM_001365088.1 (MANE Select); coding-DNA position 667, one base duplicated (A; older notation c.667dupA).
Protein change: p.Ile223fs; shifts the reading frame from isoleucine 223.
Molecular consequence: frameshift variant.
Genome position (GRCh38, 1-based): chr15:34,257,665, T duplicated on the plus strand (A on the coding strand, the reverse complement: SLC12A6 is on the minus strand); the first of 2 consecutive T bases (chr15:34,257,665-34,257,666); duplicating either gives the same sequence. VCF-style (leftmost placement, unchanged base first): chr15-34257664-A-AT. GRCh37 (hg19) VCF-style: chr15-34549865-A-AT.
Other names: c.490dup, p.Ile164fs (NM_001042494.2, NM_001042495.2); c.640dup, p.Ile214fs (NM_001042496.2); c.622dup, p.Ile208fs (NM_001042497.2); c.514dup, p.Ile172fs (NM_005135.2); c.667dup, p.Ile223fs (NM_133647.2); short protein forms I164fs, I172fs, I208fs, I214fs, I223fs.
Identifiers: ClinVar variation 5013646 (VCV005013646.1).

ClinVar aggregate classification (germline): Pathogenic (1 of 4 stars; one submission).

Conditions:
Agenesis of the corpus callosum with peripheral neuropathy (ACCPN). Also called: CHARLEVOIX DISEASE; POLYNEUROPATHY, SENSORIMOTOR, WITH OR WITHOUT AGENESIS OF THE CORPUS CALLOSUM; HMSN/ACC; Hereditary Motor and Sensory Neuropathy with Agenesis of the Corpus Callosum. Identifiers: Orphanet 1496, MedGen C0795950, MONDO:0000902, OMIM 218000. Disease mechanism: loss of function.

Submission:

Myriad Genetics, Inc.
Classification: Pathogenic for Agenesis of the corpus callosum with peripheral neuropathy. Last evaluated: 2024-10-18. Review status: criteria provided, single submitter. Criteria: Myriad Autosomal Dominant, Autosomal Recessive and X-Linked Classification Criteria (2023). Collection method: clinical testing. Allele origin: unknown.
Comment: NM_133647.1(SLC12A6):c.667dupA(I223Nfs*22) is expected to be pathogenic in the context of Andermann syndrome. This variant is predicted to lead to an abnormal or absent protein product due to the creation of a premature termination codon in SLC12A6, a gene where loss-of-function variants are known to be pathogenic. Please note: this variant was assessed in the context of healthy population screening.